The following is an entry in ClinVar:

ClinVar aggregate classification (germline): Uncertain significance (1 of 4 stars; one submission).

Conditions:
Alstrom syndrome (ALMS). Identifiers: Orphanet 64, MedGen C0268425, MONDO:0008763, OMIM 203800.

gnomAD v4.1: 1 of 1,613,800 alleles (0.000062%); highest among the groups gnomAD compares: Non-Finnish European, 0.000085%; no homozygotes.

Submission:

Labcorp Genetics (formerly Invitae), Labcorp
Classification: Uncertain significance for Alstrom syndrome. Last evaluated: 2022-03-18. Review status: criteria provided, single submitter. Criteria: Invitae Variant Classification Sherloc (09022015). Collection method: clinical testing. Allele origin: germline.
Comment: In summary, the available evidence is currently insufficient to determine the role of this variant in disease. Therefore, it has been classified as a Variant of Uncertain Significance. This sequence change replaces cysteine, which is neutral and slightly polar, with tryptophan, which is neutral and slightly polar, at codon 2278 of the ALMS1 protein (p.Cys2278Trp). This variant is not present in population databases (gnomAD no frequency). This variant has not been reported in the literature in individuals affected with ALMS1-related conditions. ClinVar contains an entry for this variant (Variation ID: 529381).

NM_001378454.1(ALMS1):c.6831C>G (p.Cys2277Trp)

Gene: ALMS1 (ALMS1 centrosome and basal body associated protein; plus strand). Cytogenetic location: 2p13.1.
Variant type: single nucleotide variant.
Coding change: c.6831C>G on transcript NM_001378454.1 (MANE Select); coding-DNA position 6831, C replaced by G.
Protein change: p.Cys2277Trp; replaces cysteine 2277 with tryptophan.
Molecular consequence: missense variant.
Genome position (GRCh38, 1-based): chr2:73,453,358, C>G. VCF-style: chr2-73453358-C-G. GRCh37 (hg19) VCF-style: chr2-73680485-C-G.
Other names: c.6834C>G, p.Cys2278Trp (NM_015120.4); short protein forms C2278W, C2277W.
Identifiers: ClinVar variation 529381 (VCV000529381.8), dbSNP rs761713440, ClinGen allele CA347289586.